The following is an entry in ClinVar:

ClinVar aggregate classification (germline): Pathogenic (1 of 4 stars; one submission).

Submission:

CeGaT Center for Human Genetics Tuebingen
Classification: Pathogenic. Last evaluated: 2023-02-01. Review status: criteria provided, single submitter. Criteria: CeGaT Center For Human Genetics Tuebingen Variant Classification Criteria Version 2. Collection method: clinical testing. Allele origin: germline. Affected: yes. Observed: 1 variant allele.
Comment: TAB2: PVS1, PM2

NM_001292034.3(TAB2):c.917dup (p.Ser307fs)

Genes: TAB2 (TGF-beta activated kinase 1 (MAP3K7) binding protein 2; plus strand), LOC126859827 (BRD4-independent group 4 enhancer GRCh37_chr6:149699707-149700906; plus strand). Cytogenetic location: 6q25.1.
Variant type: Duplication.
Coding change: c.917dup on transcript NM_001292034.3 (MANE Select); coding-DNA position 917, one base duplicated (C; older notation c.917dupC).
Protein change: p.Ser307fs; shifts the reading frame from serine 307.
Molecular consequence: frameshift variant.
Genome position (GRCh38, 1-based): chr6:149,378,832, C duplicated. VCF-style (leftmost placement, unchanged base first): chr6-149378831-T-TC. GRCh37 (hg19) VCF-style: chr6-149699967-T-TC.
Other names: c.821dup, p.Ser275fs (NM_001292035.3); c.917dup, p.Ser307fs (NM_001369506.1, NM_015093.6); short protein forms S275fs, S307fs.
Identifiers: ClinVar variation 2499024 (VCV002499024.28), dbSNP rs2483390825, ClinGen allele CA2580075185.